The following is an entry in ClinVar:

NM_003970.4(MYOM2):c.3258G>A (p.Gly1086=)

Gene: MYOM2 (myomesin 2; plus strand). Cytogenetic location: 8p23.3.
Variant type: single nucleotide variant.
Coding change: c.3258G>A on transcript NM_003970.4 (MANE Select); coding-DNA position 3258, G replaced by A.
Protein change: p.Gly1086=; no amino-acid change (glycine 1086 retained).
Molecular consequence: synonymous variant.
Genome position (GRCh38, 1-based): chr8:2,116,037, G>A. VCF-style: chr8-2116037-G-A. GRCh37 (hg19) VCF-style: chr8-2063829-G-A.
Other names: c.3258G>A (NM_003970.3).
Identifiers: ClinVar variation 2658312 (VCV002658312.25), dbSNP rs145361700, ClinGen allele CA170461225.

ClinVar aggregate classification (germline): Likely benign. Review status: criteria provided, single submitter (1 of 4 stars). 2 submissions from 2 submitters: Likely benign (1). 1 of the submissions does not count toward it. Last evaluated 2023-04-01.

Conditions:
MYOM2-related disorder. Also called: MYOM2-related condition.

Allele frequency attached by ClinVar (database versions not stated): ESP Exome Variant Server 0.00015; ExAC 0.00018; gnomAD 0.00036; TOPMed 0.00042.
gnomAD v4.1: 193 of 1,613,854 alleles (0.012%); highest among the groups gnomAD compares: Middle Eastern, 0.099%; 1 homozygote.

Submissions (2):

CeGaT Center for Human Genetics Tuebingen
Classification: Likely benign. Last evaluated: 2023-04-01. Review status: criteria provided, single submitter. Criteria: CeGaT Center For Human Genetics Tuebingen Variant Classification Criteria Version 2. Collection method: clinical testing. Allele origin: germline. Affected: yes. Observed: 1 variant allele.
Comment: MYOM2: BP4, BP7

PreventionGenetics, part of Exact Sciences
Classification: Likely benign for MYOM2-related condition. Last evaluated: 2019-04-01. Review status: no assertion criteria provided. Collection method: clinical testing. Allele origin: germline. Not counted in ClinVar's aggregate classification.
Comment: This variant is classified as likely benign based on ACMG/AMP sequence variant interpretation guidelines (Richards et al. 2015 PMID: 25741868, with internal and published modifications).